The following is an entry in ClinVar:

NM_000426.4(LAMA2):c.4926A>G (p.Thr1642=)

Gene: LAMA2 (laminin subunit alpha 2; plus strand). Cytogenetic location: 6q22.33.
Variant type: single nucleotide variant.
Coding change: c.4926A>G on transcript NM_000426.4 (MANE Select); coding-DNA position 4926, A replaced by G.
Protein change: p.Thr1642=; no amino-acid change (threonine 1642 retained).
Molecular consequence: synonymous variant.
Genome position (GRCh38, 1-based): chr6:129,369,957, A>G. VCF-style: chr6-129369957-A-G. GRCh37 (hg19) VCF-style: chr6-129691102-A-G.
Other names: p.Thr1642=; c.4926A>G, p.Thr1642= (NM_001079823.2).
Identifiers: ClinVar variation 196881 (VCV000196881.35), dbSNP rs62421010, ClinGen allele CA244659.

ClinVar aggregate classification (germline): Conflicting classifications of pathogenicity. Review status: criteria provided, conflicting classifications (1 of 4 stars). 9 submissions from 9 submitters: Uncertain significance (2); Likely benign (6). 1 of the submissions does not count toward it. Last evaluated 2026-01-28.

Conditions:
LAMA2-related disorder. Also called: LAMA2-related disorders; LAMA2-related condition.
LAMA2-related muscular dystrophy (LAMA2-RD). Also called: Laminin alpha 2-related dystrophy. Identifiers: MedGen C5679788, MONDO:0100228.
Congenital muscular dystrophy due to partial LAMA2 deficiency. Identifiers: MedGen C1842898.

Allele frequency attached by ClinVar (database versions not stated): 1000 Genomes Project 30x 0.00016; 1000 Genomes Project 0.00020; gnomAD 0.00034 and 0.00037; gnomAD exomes 0.00035 and 0.00055; ExAC 0.00038; ESP Exome Variant Server 0.00038; TOPMed 0.00048.
gnomAD v4.1: 860 of 1,614,094 alleles (0.053%); highest among the groups gnomAD compares: Non-Finnish European, 0.068%; no homozygotes.

Submissions (9):

Labcorp Genetics (formerly Invitae), Labcorp
Classification: Likely benign for LAMA2-related muscular dystrophy. Last evaluated: 2026-01-28. Review status: criteria provided, single submitter. Criteria: Invitae Variant Classification Sherloc (09022015). Collection method: clinical testing. Allele origin: germline.

Mayo Clinic Laboratories, Mayo Clinic
Classification: Likely benign. Last evaluated: 2025-06-19. Review status: criteria provided, single submitter. Criteria: ACMG Guidelines, 2015. Collection method: clinical testing. Allele origin: germline. Observed: 3 variant alleles.
Comment: BP4, BP7

CeGaT Center for Human Genetics Tuebingen
Classification: Likely benign. Last evaluated: 2025-03-01. Review status: criteria provided, single submitter. Criteria: CeGaT Center For Human Genetics Tuebingen Variant Classification Criteria Version 2. Collection method: clinical testing. Allele origin: germline. Affected: yes. Observed: 1 variant allele.
Comment: LAMA2: BP4, BP7

Blueprint Genetics
Classification: Likely benign. Last evaluated: 2024-11-13. Review status: criteria provided, single submitter. Criteria: ACMG Guidelines, 2015. Collection method: clinical testing. Allele origin: germline.

Revvity Omics, Revvity
Classification: Likely benign. Last evaluated: 2023-10-16. Review status: criteria provided, single submitter. Criteria: ACMG Guidelines, 2015. Collection method: clinical testing. Allele origin: germline.

GeneDx
Classification: Likely benign. Last evaluated: 2019-04-30. Review status: criteria provided, single submitter. Criteria: GeneDx Variant Classification Process June 2021. Collection method: clinical testing. Allele origin: germline. Affected: yes.

Illumina Laboratory Services, Illumina
Classification: Uncertain significance for Congenital muscular dystrophy due to partial LAMA2 deficiency. Last evaluated: 2018-03-30. Review status: criteria provided, single submitter. Criteria: ICSL Variant Classification Criteria 13 December 2019. Collection method: clinical testing. Allele origin: germline.

Eurofins Ntd Llc (ga)
Classification: Uncertain significance. Last evaluated: 2014-11-17. Review status: criteria provided, single submitter. Criteria: EGL Classification Definitions 2015. Collection method: clinical testing. Allele origin: germline. Observed: 3 variant alleles, 3 heterozygotes.

PreventionGenetics, part of Exact Sciences
Classification: Likely benign for LAMA2-related condition. Last evaluated: 2019-03-13. Review status: no assertion criteria provided. Collection method: clinical testing. Allele origin: germline. Not counted in ClinVar's aggregate classification.
Comment: This variant is classified as likely benign based on ACMG/AMP sequence variant interpretation guidelines (Richards et al. 2015 PMID: 25741868, with internal and published modifications).